The following is an entry in ClinVar:

ClinVar aggregate classification (germline): Pathogenic (1 of 4 stars; one submission).

Allele frequency attached by ClinVar (database versions not stated): gnomAD exomes below 0.00001.

Submission:

Labcorp Genetics (formerly Invitae), Labcorp
Classification: Pathogenic. Last evaluated: 2020-11-11. Review status: criteria provided, single submitter. Criteria: Invitae Variant Classification Sherloc (09022015). Collection method: clinical testing. Allele origin: germline.
Comment: This sequence change creates a premature translational stop signal (p.Gln112Argfs*10) in the MLC1 gene. It is expected to result in an absent or disrupted protein product. Loss-of-function variants in MLC1 are known to be pathogenic (PMID: 11254442, 16470554, 24824219). This variant is not present in population databases (ExAC no frequency). This variant has not been reported in the literature in individuals with MLC1-related conditions. For these reasons, this variant has been classified as Pathogenic.

Literature cited by the submitters: PubMed 11254442; PubMed 16470554; PubMed 24824219.

NM_015166.4(MLC1):c.335del (p.Gln112fs)

Gene: MLC1 (modulator of VRAC current 1; minus strand). Cytogenetic location: 22q13.33.
Variant type: Deletion.
Coding change: c.335del on transcript NM_015166.4 (MANE Select); coding-DNA position 335, one base deleted (A; older notation c.335delA).
Protein change: p.Gln112fs; shifts the reading frame from glutamine 112.
Molecular consequence: frameshift variant. On other transcripts: non-coding transcript variant (3), intron variant (3).
Genome position (GRCh38, 1-based): chr22:50,080,006, T deleted on the plus strand (A on the coding strand, the reverse complement: MLC1 is on the minus strand). VCF-style (leftmost placement, unchanged base first): chr22-50080005-CT-C. GRCh37 (hg19) VCF-style: chr22-50518434-CT-C.
Other names: c.335del, p.Gln112fs (NM_001376472.1, NM_001376473.1, NM_001376474.1 and 6 more transcripts); c.245del, p.Gln82fs (NM_001376480.1); c.98del, p.Gln33fs (NM_001376484.1); c.268-2504del (NM_001376482.1, NM_001376483.1); c.321+338del (NM_001376481.1); short protein forms Q112fs, Q82fs, Q33fs.
Identifiers: ClinVar variation 1416197 (VCV001416197.6), dbSNP rs2146905135, ClinGen allele CA2573158228.
Genomic context (GRCh38, chr22:50,080,005, plus strand): 5'-TTTGCATCCAAACCAAATTAAACACGTAGTGGTCACAGCAAACGTGGAAACAAACAATAT[CT>C]GAAAGTTGGGAATCTGAAAAACAAGGCAGGAGGGGTTTTCCTTCTTTGAATAATAAAAGA-3'